The following is an entry in ClinVar:

ClinVar aggregate classification (germline): Uncertain significance (1 of 4 stars; one submission).

Conditions:
Koolen-de Vries syndrome (KDVS). Identifiers: Orphanet 96169, MedGen C1864871, MONDO:0012496, OMIM 610443.

Submission:

Labcorp Genetics (formerly Invitae), Labcorp
Classification: Uncertain significance for Koolen-de Vries syndrome. Last evaluated: 2025-07-13. Review status: criteria provided, single submitter. Criteria: Invitae Variant Classification Sherloc (09022015). Collection method: clinical testing. Allele origin: germline.
Comment: This sequence change is expected to alter the c-terminus of the KANSL1 protein (p.Arg1059Alafs*59). While this is not anticipated to result in nonsense mediated decay, it is expected to disrupt the last 47 amino acid(s) of the KANSL1 protein and extend the protein by 11 additional amino acid residues. This variant is not present in population databases (gnomAD no frequency). This variant has not been reported in the literature in individuals affected with KANSL1-related conditions. In summary, the available evidence is currently insufficient to determine the role of this variant in disease. Therefore, it has been classified as a Variant of Uncertain Significance.

NM_015443.4(KANSL1):c.3173dup (p.Arg1059fs)

Gene: KANSL1 (KAT8 regulatory NSL complex subunit 1). Cytogenetic location: 17q21.31.
Variant type: Duplication.
Coding change: c.3173dup on transcript NM_015443.4 (MANE Select); coding-DNA position 3173, one base duplicated.
Protein change: p.Arg1059fs; shifts the reading frame from arginine 1059.
Molecular consequence: frameshift variant.
Genome position: GRCh38 VCF-style: chr17-46031620-C-CT. GRCh37 (hg19) VCF-style: chr17-44108986-C-CT.
Other names: c.3170dup, p.Arg1058fs (NM_001193465.2, NM_001405856.1, NM_001405857.1 and 1 more transcripts); c.3173dup, p.Arg1059fs (NM_001193466.2, NM_001379198.1, NM_001405854.1 and 1 more transcripts); c.3071dup, p.Arg1025fs (NM_001405859.1, NM_001405860.1); c.3068dup, p.Arg1024fs (NM_001405861.1); c.3041dup, p.Arg1015fs (NM_001405872.1, NM_001405873.1, NM_001405874.1); c.2984dup, p.Arg996fs (NM_001405875.1, NM_001405876.1, NM_001405877.1 and 1 more transcripts); c.2981dup, p.Arg995fs (NM_001405879.1, NM_001405880.1); c.2936dup, p.Arg980fs (NM_001405881.1); and 4 more; short protein forms R574fs, R996fs, R1025fs, R980fs, R995fs, R1015fs, R573fs, R636fs.
Identifiers: ClinVar variation 4723033 (VCV004723033.1).